The following is an entry in ClinVar:

ClinVar aggregate classification (germline): Uncertain significance (1 of 4 stars; one submission).

Conditions:
Autosomal dominant polycystic kidney disease. Identifiers: Orphanet 730, MedGen C0085413, MONDO:0004691.

Submission:

Labcorp Genetics (formerly Invitae), Labcorp
Classification: Uncertain significance for Autosomal dominant polycystic kidney disease. Last evaluated: 2022-06-01. Review status: criteria provided, single submitter. Criteria: Invitae Variant Classification Sherloc (09022015). Collection method: clinical testing. Allele origin: germline.
Comment: In summary, the available evidence is currently insufficient to determine the role of this variant in disease. Therefore, it has been classified as a Variant of Uncertain Significance. Algorithms developed to predict the effect of missense changes on protein structure and function are either unavailable or do not agree on the potential impact of this missense change (SIFT: "Deleterious"; PolyPhen-2: "Benign"; Align-GVGD: "Class C0"). This variant has not been reported in the literature in individuals affected with PKD2-related conditions. This variant is not present in population databases (gnomAD no frequency). This sequence change replaces proline, which is neutral and non-polar, with threonine, which is neutral and polar, at codon 26 of the PKD2 protein (p.Pro26Thr).

NM_000297.4(PKD2):c.76C>A (p.Pro26Thr)

Genes: PKD2 (polycystin 2, transient receptor potential cation channel; plus strand), LOC129992813 (ATAC-STARR-seq lymphoblastoid silent region 15559; plus strand). Cytogenetic location: 4q22.1.
Variant type: single nucleotide variant.
Coding change: c.76C>A on transcript NM_000297.4 (MANE Select); coding-DNA position 76, C replaced by A.
Protein change: p.Pro26Thr; replaces proline 26 with threonine.
Molecular consequence: missense variant. On other transcripts: non-coding transcript variant (1).
Genome position (GRCh38, 1-based): chr4:88,007,809, C>A. VCF-style: chr4-88007809-C-A. GRCh37 (hg19) VCF-style: chr4-88928961-C-A.
Other names: short protein forms P26T.
Identifiers: ClinVar variation 1958989 (VCV001958989.5), dbSNP rs1037715951, ClinGen allele CA357625038.